The following is an entry in ClinVar:

NM_139076.3(ABRAXAS1):c.612AGA[1] (p.Glu205del)

Gene: ABRAXAS1 (abraxas 1, BRCA1 A complex subunit; minus strand). Cytogenetic location: 4q21.23.
Variant type: Microsatellite.
Coding change: c.612AGA[1] on transcript NM_139076.3 (MANE Select); one copy of the 3-base unit AGA starting at c.612; the reference has two copies in a row; one copy, 3 bases deleted.
Protein change: p.Glu205del; deletes glutamic acid 205.
Molecular consequence: inframe deletion.
Genome position (GRCh38, 1-based): chr4:83,467,518-83,467,520, TCT deleted on the plus strand (AGA on the coding strand, the reverse complement: ABRAXAS1 is on the minus strand); deleting any 3 consecutive bases within chr4:83,467,518-83,467,525 gives the same sequence; the position shown is the placement nearest the transcript's 3' end. VCF-style (leftmost placement, unchanged base first): chr4-83467517-ATCT-A. GRCh37 (hg19) VCF-style: chr4-84388670-ATCT-A.
Other names: c.285AGA[1], p.Glu96del (NM_001345962.2); short protein forms E205del, E96del.
Identifiers: ClinVar variation 651410 (VCV000651410.6), dbSNP rs759905964, ClinGen allele CA2990494.

ClinVar aggregate classification (germline): Uncertain significance (1 of 4 stars; one submission).

Submission:

Labcorp Genetics (formerly Invitae), Labcorp
Classification: Uncertain significance. Last evaluated: 2022-07-23. Review status: criteria provided, single submitter. Criteria: Invitae Variant Classification Sherloc (09022015). Collection method: clinical testing. Allele origin: germline.
Comment: In summary, the available evidence is currently insufficient to determine the role of this variant in disease. Therefore, it has been classified as a Variant of Uncertain Significance. Experimental studies and prediction algorithms are not available or were not evaluated, and the functional significance of this variant is currently unknown. ClinVar contains an entry for this variant (Variation ID: 651410). This variant has not been reported in the literature in individuals affected with ABRAXAS1-related conditions. This variant is present in population databases (rs759905964, gnomAD 0.004%). This variant, c.615_617del, results in the deletion of 1 amino acid(s) of the ABRAXAS1 protein (p.Glu205del), but otherwise preserves the integrity of the reading frame.